The following is an entry in ClinVar:

ClinVar aggregate classification (germline): Uncertain significance (1 of 4 stars; one submission).

Submission:

CeGaT Center for Human Genetics Tuebingen
Classification: Uncertain significance. Last evaluated: 2024-07-01. Review status: criteria provided, single submitter. Criteria: CeGaT Center For Human Genetics Tuebingen Variant Classification Criteria Version 2. Collection method: clinical testing. Allele origin: germline. Affected: yes. Observed: 1 variant allele.
Comment: FCSK: PM2, BP4

NM_145059.3(FCSK):c.663+5G>A

Gene: FCSK (fucose kinase; plus strand). Cytogenetic location: 16q22.1.
Variant type: single nucleotide variant.
Coding change: c.663+5G>A on transcript NM_145059.3 (MANE Select); 5 bases into the intron after coding-DNA position 663, G replaced by A.
Molecular consequence: intron variant.
Genome position (GRCh38, 1-based): chr16:70,467,971, G>A. VCF-style: chr16-70467971-G-A. GRCh37 (hg19) VCF-style: chr16-70501874-G-A.
Identifiers: ClinVar variation 3251212 (VCV003251212.18), dbSNP rs2507423433.